The following is an entry in ClinVar:

ClinVar aggregate classification (germline): Uncertain significance (1 of 4 stars; one submission).

Conditions:
Severe combined immunodeficiency due to DNA-PKcs deficiency. Also called: IMMUNODEFICIENCY 26 WITH NEUROLOGIC ABNORMALITIES; Immunodeficiency 26 with or without neurologic abnormalities. Identifiers: Orphanet 317425, MedGen C4014833, MONDO:0014423, OMIM 615966.

Allele frequency attached by ClinVar (database versions not stated): gnomAD exomes below 0.00001 and 0.00001; ExAC 0.00002; TOPMed 0.00004; gnomAD 0.00005 and 0.00006.
gnomAD v4.1: 13 of 1,591,128 alleles (0.00082%); highest among the groups gnomAD compares: African/African-American, 0.018%; no homozygotes.

Submission:

Labcorp Genetics (formerly Invitae), Labcorp
Classification: Uncertain significance for Severe combined immunodeficiency due to DNA-PKcs deficiency. Last evaluated: 2022-03-19. Review status: criteria provided, single submitter. Criteria: Invitae Variant Classification Sherloc (09022015). Collection method: clinical testing. Allele origin: germline.
Comment: ClinVar contains an entry for this variant (Variation ID: 1002220). This variant has not been reported in the literature in individuals affected with PRKDC-related conditions. This variant is present in population databases (rs753255222, gnomAD 0.03%). This sequence change falls in intron 24 of the PRKDC gene. It does not directly change the encoded amino acid sequence of the PRKDC protein. It affects a nucleotide within the consensus splice site. Variants that disrupt the consensus splice site are a relatively common cause of aberrant splicing (PMID: 17576681, 9536098). Algorithms developed to predict the effect of sequence changes on RNA splicing suggest that this variant is not likely to affect RNA splicing. In summary, the available evidence is currently insufficient to determine the role of this variant in disease. Therefore, it has been classified as a Variant of Uncertain Significance.

Literature cited by the submitters: PubMed 17576681; PubMed 9536098.

NM_006904.7(PRKDC):c.2781+4C>T

Gene: PRKDC (protein kinase, DNA-activated, catalytic subunit; minus strand). Cytogenetic location: 8q11.21.
Variant type: single nucleotide variant.
Coding change: c.2781+4C>T on transcript NM_006904.7 (MANE Select); 4 bases into the intron after coding-DNA position 2781, C replaced by T.
Molecular consequence: intron variant.
Genome position (GRCh38, 1-based): chr8:47,913,897, G>A on the plus strand (C>T on the coding strand, the complement: PRKDC is on the minus strand). VCF-style: chr8-47913897-G-A. GRCh37 (hg19) VCF-style: chr8-48826457-G-A.
Other names: c.2781+4C>T (NM_001081640.2).
Identifiers: ClinVar variation 1002220 (VCV001002220.4), dbSNP rs753255222, ClinGen allele CA4741385.